The following is an entry in ClinVar:

NM_000260.4(MYO7A):c.5968C>T (p.Gln1990Ter)

Gene: MYO7A (myosin VIIA; plus strand). Cytogenetic location: 11q13.5.
Variant type: single nucleotide variant.
Coding change: c.5968C>T on transcript NM_000260.4 (MANE Select); coding-DNA position 5968, C replaced by T.
Protein change: p.Gln1990Ter; replaces glutamine 1990 with a stop codon.
Molecular consequence: nonsense.
Genome position (GRCh38, 1-based): chr11:77,208,720, C>T. VCF-style: chr11-77208720-C-T. GRCh37 (hg19) VCF-style: chr11-76919765-C-T.
Other names: c.5854C>T, p.Gln1952Ter (NM_001127180.2); c.5821C>T, p.Gln1941Ter (NM_001369365.1); short protein forms Q1990*, Q1952*, Q1941*.
Identifiers: ClinVar variation 197497 (VCV000197497.13), dbSNP rs773844428, ClinGen allele CA278748.

ClinVar aggregate classification (germline): Pathogenic/Likely pathogenic. Review status: criteria provided, multiple submitters, no conflicts (2 of 4 stars). 4 submissions from 4 submitters: Pathogenic (2); Likely pathogenic (1). 1 of the submissions does not count toward it. Last evaluated 2024-11-11.

Conditions:
MYO7A-related disorder. Also called: MYO7A-related disorders.
Usher syndrome type 1 (USH1). Also called: RETINITIS PIGMENTOSA AND CONGENITAL DEAFNESS. Identifiers: Orphanet 231169, Orphanet 886, MedGen C1568247, MONDO:0010168, OMIM 276900.
Autosomal recessive nonsyndromic hearing loss 2. Also called: DEAFNESS, AUTOSOMAL RECESSIVE 2; NEUROSENSORY NONSYNDROMIC RECESSIVE DEAFNESS 2. Identifiers: Orphanet 90636, MedGen C1838701, MONDO:0010807, OMIM 600060.

Allele frequency attached by ClinVar (database versions not stated): gnomAD 0.00001; gnomAD exomes 0.00001 and 0.00002; ExAC 0.00003.
gnomAD v4.1: 34 of 1,586,834 alleles (0.0021%); highest among the groups gnomAD compares: Non-Finnish European, 0.0027%; no homozygotes.

Submissions (4):

Labcorp Genetics (formerly Invitae), Labcorp
Classification: Pathogenic. Last evaluated: 2024-11-11. Review status: criteria provided, single submitter. Criteria: Invitae Variant Classification Sherloc (09022015). Collection method: clinical testing. Allele origin: germline.
Comment: This sequence change creates a premature translational stop signal (p.Gln1990*) in the MYO7A gene. It is expected to result in an absent or disrupted protein product. Loss-of-function variants in MYO7A are known to be pathogenic (PMID: 8900236, 25404053). This variant is present in population databases (rs773844428, gnomAD 0.004%). This premature translational stop signal has been observed in individual(s) with Usher syndrome (PMID: 16963483). ClinVar contains an entry for this variant (Variation ID: 197497). Algorithms developed to predict the effect of sequence changes on RNA splicing suggest that this variant may disrupt the consensus splice site. For these reasons, this variant has been classified as Pathogenic.

Blueprint Genetics
Classification: Likely pathogenic for MYO7A-related disorders. Last evaluated: 2024-04-03. Review status: criteria provided, single submitter. Criteria: ACMG Guidelines, 2015. Collection method: clinical testing. Allele origin: germline. Affected: yes. Observed: 4 variant alleles.

Eurofins Ntd Llc (ga)
Classification: Pathogenic. Last evaluated: 2015-01-20. Review status: criteria provided, single submitter. Criteria: EGL Classification Definitions 2015. Collection method: clinical testing. Allele origin: germline. Observed: 1 variant allele, 1 heterozygote.

Counsyl
Classification: Likely pathogenic for Usher syndrome type 1; Autosomal recessive nonsyndromic hearing loss 2. Last evaluated: 2017-05-16. Review status: no assertion criteria provided. Collection method: clinical testing. Allele origin: unknown. Not counted in ClinVar's aggregate classification.

Literature cited by the submitters: PubMed 8900236 (cited by Labcorp Genetics (formerly Invitae), Labcorp); PubMed 25404053 (cited by Labcorp Genetics (formerly Invitae), Labcorp); PubMed 16963483 (cited by 3 submitters).